The following is an entry in ClinVar:

NM_000093.5(COL5A1):c.2918dup (p.Leu974fs)

Gene: COL5A1 (collagen type V alpha 1 chain; plus strand). Cytogenetic location: 9q34.3.
Variant type: Duplication.
Coding change: c.2918dup on transcript NM_000093.5 (MANE Select); coding-DNA position 2918, one base duplicated (G; older notation c.2918dupG).
Protein change: p.Leu974fs; shifts the reading frame from leucine 974.
Molecular consequence: frameshift variant.
Genome position (GRCh38, 1-based): chr9:134,798,427, G duplicated; the last of 2 consecutive G bases (chr9:134,798,426-134,798,427); duplicating either gives the same sequence. VCF-style (leftmost placement, unchanged base first): chr9-134798425-T-TG. GRCh37 (hg19) VCF-style: chr9-137690271-T-TG.
Other names: c.2918dup, p.Leu974fs (NM_001278074.1); short protein forms L974fs.
Identifiers: ClinVar variation 2770950 (VCV002770950.3), dbSNP rs2490773984, ClinGen allele CA2697558180.
Genomic context (GRCh38, chr9:134,798,425, plus strand): 5'-CTCAGACACGAATGAACCTCCTTTCCTTTGGTTTTTTCTTCAGGGCCCTCCAGGCAAGGA[T>TG]GGACTCCCAGGACACCCTGGACAGAGAGGCGAGACTGTGAGTATCGAGGGTGCTGGGGGA-3'

ClinVar aggregate classification (germline): Pathogenic (1 of 4 stars; one submission).

Conditions:
Ehlers-Danlos syndrome, classic type, 1 (EDSCL1). Also called: EHLERS-DANLOS SYNDROME, GRAVIS TYPE; EHLERS-DANLOS SYNDROME, SEVERE CLASSIC TYPE; Ehlers-Danlos syndrome, type 1; Ehlers-Danlos Syndrome, Classic Type, COL5A1-Related; EDS I. Identifiers: MedGen C0268335, MONDO:0019567, OMIM 130000.

Submission:

Labcorp Genetics (formerly Invitae), Labcorp
Classification: Pathogenic for Ehlers-Danlos syndrome, classic type, 1. Last evaluated: 2023-10-22. Review status: criteria provided, single submitter. Criteria: Invitae Variant Classification Sherloc (09022015). Collection method: clinical testing. Allele origin: germline.
Comment: This sequence change creates a premature translational stop signal (p.Leu974Thrfs*40) in the COL5A1 gene. It is expected to result in an absent or disrupted protein product. Loss-of-function variants in COL5A1 are known to be pathogenic (PMID: 23587214). This variant is not present in population databases (gnomAD no frequency). This variant has not been reported in the literature in individuals affected with COL5A1-related conditions. For these reasons, this variant has been classified as Pathogenic.

Literature cited by the submitters: PubMed 23587214.